The following is an entry in ClinVar:

ClinVar aggregate classification (germline): Uncertain significance (1 of 4 stars; one submission).

Conditions:
Malignant hyperthermia, susceptibility to, 1 (MHS1). Also called: RYR1-Related Malignant Hyperthermia Susceptibility; Anesthesia related hyperthermia; Malignant hyperpyrexia; Fulminating hyperpyrexia; Pharmacogenic myopathy; Malignant hyperthermia suceptibility 1. Identifiers: Orphanet 423, MedGen C2930980, MONDO:0007783, OMIM 145600.

gnomAD v4.1: 4 of 1,608,358 alleles (0.00025%); highest among the groups gnomAD compares: Non-Finnish European, 0.00017%; no homozygotes.

Submission:

All of Us Research Program, National Institutes of Health
Classification: Uncertain significance for Malignant hyperthermia, susceptibility to, 1. Last evaluated: 2023-02-24. Review status: criteria provided, single submitter. Criteria: ACMG Guidelines, 2015. Collection method: clinical testing. Allele origin: germline. Inheritance: Autosomal dominant inheritance. Observed: 1 variant allele, 1 heterozygote.
Comment: This missense variant replaces arginine with leucine at codon 1032 of the RYR1 protein. Computational prediction is inconclusive regarding the impact of this variant on protein structure and function (internally defined REVEL score threshold 0.5 < inconclusive < 0.7, PMID: 27666373). To our knowledge, functional studies have not been reported for this variant. This variant has not been reported in individuals affected with RYR1-related disorders in the literature. This variant has not been identified in the general population by the Genome Aggregation Database (gnomAD). The available evidence is insufficient to determine the role of this variant in disease conclusively. Therefore, this variant is classified as a Variant of Uncertain Significance.

This study involves interpretation of variants in research participants for the purpose of population health screening. Participant phenotype was not available at the time of variant classification. Additional details can be found in publication PMID: 35346344, PMCID: PMC8962531

NM_000540.3(RYR1):c.3095G>T (p.Arg1032Leu)

Gene: RYR1 (ryanodine receptor 1; plus strand). Cytogenetic location: 19q13.2.
Variant type: single nucleotide variant.
Coding change: c.3095G>T on transcript NM_000540.3 (MANE Select); coding-DNA position 3095, G replaced by T.
Protein change: p.Arg1032Leu; replaces arginine 1032 with leucine.
Molecular consequence: missense variant.
Genome position (GRCh38, 1-based): chr19:38,466,315, G>T. VCF-style: chr19-38466315-G-T. GRCh37 (hg19) VCF-style: chr19-38956955-G-T.
Other names: c.3095G>T, p.Arg1032Leu (NM_001042723.2); short protein forms R1032L.
Identifiers: ClinVar variation 3069655 (VCV003069655.1), dbSNP rs141942845, ClinGen allele CA405635494.